The following is an entry in ClinVar:

NM_001142800.2(EYS):c.3699del (p.Leu1234fs)

Gene: EYS (EGF-like photoreceptor maintenance factor; minus strand). Cytogenetic location: 6q12.
Variant type: Deletion.
Coding change: c.3699del on transcript NM_001142800.2 (MANE Select); coding-DNA position 3699, one base deleted (G; older notation c.3699delG).
Protein change: p.Leu1234fs; shifts the reading frame from leucine 1234.
Molecular consequence: frameshift variant.
Genome position (GRCh38, 1-based): chr6:64,593,295, C deleted on the plus strand (G on the coding strand, the reverse complement: EYS is on the minus strand); the first of 3 consecutive C bases (chr6:64,593,295-64,593,297); deleting any one gives the same sequence. VCF-style (leftmost placement, unchanged base first): chr6-64593294-GC-G. GRCh37 (hg19) VCF-style: chr6-65303187-GC-G.
Other names: c.3699del (NM_001142800.1); c.3699del, p.Leu1234fs (NM_001292009.2); short protein forms L1234fs.
Identifiers: ClinVar variation 619216 (VCV000619216.41), dbSNP rs1318739667, ClinGen allele CA568119154.

ClinVar aggregate classification (germline): Pathogenic/Likely pathogenic. Review status: criteria provided, multiple submitters, no conflicts (2 of 4 stars). 5 submissions from 5 submitters: Pathogenic (2); Likely pathogenic (2). 1 of the submissions does not count toward it. Last evaluated 2025-02-03.

Conditions:
Retinitis pigmentosa 25 (RP25). Identifiers: Orphanet 791, MedGen C1864446, MONDO:0011272, OMIM 602772.

Submissions (5):

Natera, Inc.
Classification: Likely pathogenic for Retinitis pigmentosa type 25. Last evaluated: 2025-02-03. Review status: criteria provided, single submitter. Criteria: Natera Variant Classification Schema (03/2026). Collection method: clinical testing. Allele origin: germline.
Comment: The c.3699delG variant in EYS is a frameshift variant predicted to shift the reading frame beginning at codon 1234 and leads to a stop codon 7 codons downstream. This variant is expected to result in nonsense mediated decay, truncation, or a dysfunctional protein product. This variant is rare in the general population with a frequency below the threshold expected for the associated phenotype(s). Given the available evidence, this variant is classified as Likely Pathogenic.

Labcorp Genetics (formerly Invitae), Labcorp
Classification: Pathogenic. Last evaluated: 2023-09-21. Review status: criteria provided, single submitter. Criteria: Invitae Variant Classification Sherloc (09022015). Collection method: clinical testing. Allele origin: germline.
Comment: This sequence change creates a premature translational stop signal (p.Leu1234Phefs*7) in the EYS gene. It is expected to result in an absent or disrupted protein product. Loss-of-function variants in EYS are known to be pathogenic (PMID: 18836446, 20333770). This variant is present in population databases (no rsID available, gnomAD 0.02%). This variant has not been reported in the literature in individuals affected with EYS-related conditions. ClinVar contains an entry for this variant (Variation ID: 619216). For these reasons, this variant has been classified as Pathogenic.

Baylor Genetics
Classification: Likely pathogenic for Retinitis pigmentosa 25. Last evaluated: 2023-05-27. Review status: criteria provided, single submitter. Criteria: ACMG Guidelines, 2015. Collection method: clinical testing. Allele origin: unknown.

CeGaT Center for Human Genetics Tuebingen
Classification: Pathogenic. Last evaluated: 2022-08-01. Review status: criteria provided, single submitter. Criteria: CeGaT Center For Human Genetics Tuebingen Variant Classification Criteria Version 2. Collection method: clinical testing. Allele origin: germline. Affected: yes. Observed: 1 variant allele.
Comment: EYS: PVS1, PM2

Sema4
Classification: Likely pathogenic for Retinitis pigmentosa 25. Last evaluated: 2018-10-25. Review status: no assertion criteria provided. Collection method: clinical testing. Allele origin: unknown. Not counted in ClinVar's aggregate classification.

Literature cited by the submitters: PubMed 18836446 (cited by Labcorp Genetics (formerly Invitae), Labcorp); PubMed 20333770 (cited by Labcorp Genetics (formerly Invitae), Labcorp).